The following is an entry in ClinVar:

ClinVar aggregate classification (germline): Uncertain significance (1 of 4 stars; one submission).

Submission:

GeneDx
Classification: Uncertain significance. Last evaluated: 2023-01-30. Review status: criteria provided, single submitter. Criteria: GeneDx Variant Classification Process June 2021. Collection method: clinical testing. Allele origin: germline. Affected: yes.
Comment: Not observed at significant frequency in large population cohorts (gnomAD); In silico analysis supports that this missense variant does not alter protein structure/function; Has not been previously published as pathogenic or benign to our knowledge.

NM_002968.3(SALL1):c.325G>C (p.Asp109His)

Gene: SALL1 (spalt like transcription factor 1; minus strand). Cytogenetic location: 16q12.1.
Variant type: single nucleotide variant.
Coding change: c.325G>C on transcript NM_002968.3 (MANE Select); coding-DNA position 325, G replaced by C.
Protein change: p.Asp109His; replaces aspartic acid 109 with histidine.
Molecular consequence: missense variant.
Genome position (GRCh38, 1-based): chr16:51,141,897, C>G on the plus strand (G>C on the coding strand, the complement: SALL1 is on the minus strand). VCF-style: chr16-51141897-C-G. GRCh37 (hg19) VCF-style: chr16-51175808-C-G.
Other names: c.34G>C, p.Asp12His (NM_001127892.2); short protein forms D109H, D12H.
Identifiers: ClinVar variation 2574757 (VCV002574757.1), dbSNP rs2506498428, ClinGen allele CA395892620.